The following is an entry in ClinVar:

NM_003626.5(PPFIA1):c.2409T>C (p.Ile803=)

Gene: PPFIA1 (PPFI scaffold protein A1; plus strand). Cytogenetic location: 11q13.3.
Variant type: single nucleotide variant.
Coding change: c.2409T>C on transcript NM_003626.5 (MANE Select); coding-DNA position 2409, T replaced by C.
Protein change: p.Ile803=; no amino-acid change (isoleucine 803 retained).
Molecular consequence: synonymous variant. On other transcripts: non-coding transcript variant (1).
Genome position (GRCh38, 1-based): chr11:70,355,732, T>C. VCF-style: chr11-70355732-T-C. GRCh37 (hg19) VCF-style: chr11-70201838-T-C.
Other names: c.2514T>C, p.Ile838= (NM_001378006.1); c.2409T>C, p.Ile803= (NM_177423.3).
Identifiers: ClinVar variation 2642064 (VCV002642064.24), dbSNP rs1204186635, ClinGen allele CA475244202.

ClinVar aggregate classification (germline): Likely benign (1 of 4 stars; one submission).

Submission:

CeGaT Center for Human Genetics Tuebingen
Classification: Likely benign. Last evaluated: 2026-08-01. Review status: criteria provided, single submitter. Criteria: CeGaT Center For Human Genetics Tuebingen Variant Classification Criteria Version 2. Collection method: clinical testing. Allele origin: germline. Affected: yes. Observed: 7 variant alleles.
Comment: PPFIA1: BP4, BP7